The following is an entry in ClinVar:

NM_002506.3(NGF):c.31G>A (p.Ala11Thr)

Genes: NGF (nerve growth factor; minus strand), NGF-AS1 (NGF antisense RNA 1; plus strand). Cytogenetic location: 1p13.2.
Variant type: single nucleotide variant.
Coding change: c.31G>A on transcript NM_002506.3 (MANE Select); coding-DNA position 31, G replaced by A.
Protein change: p.Ala11Thr; replaces alanine 11 with threonine.
Molecular consequence: missense variant.
Genome position (GRCh38, 1-based): chr1:115,286,765, C>T on the plus strand (G>A on the coding strand, the complement: NGF is on the minus strand). VCF-style: chr1-115286765-C-T. GRCh37 (hg19) VCF-style: chr1-115829386-C-T.
Other names: short protein forms A11T.
Identifiers: ClinVar variation 649484 (VCV000649484.9), dbSNP rs965438646, ClinGen allele CA29767812.

ClinVar aggregate classification (germline): Uncertain significance. Review status: criteria provided, multiple submitters, no conflicts (2 of 4 stars). 3 submissions from 3 submitters: Uncertain significance (3). Last evaluated 2023-04-11.

Conditions:
Congenital sensory neuropathy with selective loss of small myelinated fibers (HSAN5). Also called: HSAN Type V. Identifiers: Orphanet 64752, MedGen C0020075, MONDO:0012092, OMIM 608654.
Inborn genetic diseases. Identifiers: MedGen C0950123, MeSH D030342.

Allele frequency attached by ClinVar (database versions not stated): gnomAD 0.00001; gnomAD exomes 0.00001; TOPMed 0.00001.
gnomAD v4.1: 12 of 1,614,012 alleles (0.00074%); highest among the groups gnomAD compares: Non-Finnish European, 0.00093%; no homozygotes.

Submissions (3):

Genome-Nilou Lab
Classification: Uncertain significance for Congenital sensory neuropathy with selective loss of small myelinated fibers. Last evaluated: 2023-04-11. Review status: criteria provided, single submitter. Criteria: ACMG Guidelines, 2015. Collection method: clinical testing. Allele origin: germline. Affected: no.

Ambry Genetics
Classification: Uncertain significance for Inborn genetic diseases. Last evaluated: 2022-01-30. Review status: criteria provided, single submitter. Criteria: Ambry Variant Classification Scheme 2023. Collection method: clinical testing. Allele origin: germline.
Comment: The p.A11T variant (also known as c.31G>A), located in coding exon 1 of the NGF gene, results from a G to A substitution at nucleotide position 31. The alanine at codon 11 is replaced by threonine, an amino acid with similar properties. This amino acid position is conserved. In addition, this alteration is predicted to be tolerated by in silico analysis. Since supporting evidence is limited at this time, the clinical significance of this alteration remains unclear.

Labcorp Genetics (formerly Invitae), Labcorp
Classification: Uncertain significance for Congenital sensory neuropathy with selective loss of small myelinated fibers. Last evaluated: 2018-07-11. Review status: criteria provided, single submitter. Criteria: Invitae Variant Classification Sherloc (09022015). Collection method: clinical testing. Allele origin: germline.
Comment: In summary, the available evidence is currently insufficient to determine the role of this variant in disease. Therefore, it has been classified as a Variant of Uncertain Significance. Algorithms developed to predict the effect of missense changes on protein structure and function (SIFT, PolyPhen-2, Align-GVGD) all suggest that this variant is likely to be tolerated, but these predictions have not been confirmed by published functional studies and their clinical significance is uncertain. This variant has not been reported in the literature in individuals with NGF-related disease. This variant is not present in population databases (ExAC no frequency). This sequence change replaces alanine with threonine at codon 11 of the NGF protein (p.Ala11Thr). The alanine residue is highly conserved and there is a small physicochemical difference between alanine and threonine.